The following is an entry in ClinVar:

ClinVar aggregate classification (germline): Uncertain significance (1 of 4 stars; one submission).

Submission:

Labcorp Genetics (formerly Invitae), Labcorp
Classification: Uncertain significance. Last evaluated: 2024-07-19. Review status: criteria provided, single submitter. Criteria: Invitae Variant Classification Sherloc (09022015). Collection method: clinical testing. Allele origin: germline.
Comment: This sequence change affects a donor splice site in intron 5 of the PDE3A gene. It is expected to disrupt RNA splicing. Variants that disrupt the donor or acceptor splice site typically lead to a loss of protein function (PMID: 16199547), however the current clinical and genetic evidence is not sufficient to establish whether loss-of-function variants in PDE3A cause disease. This variant is not present in population databases (gnomAD no frequency). This variant has not been reported in the literature in individuals affected with PDE3A-related conditions. Algorithms developed to predict the effect of sequence changes on RNA splicing suggest that this variant may disrupt the consensus splice site. In summary, the available evidence is currently insufficient to determine the role of this variant in disease. Therefore, it has been classified as a Variant of Uncertain Significance.

Literature cited by the submitters: PubMed 16199547.

NM_000921.5(PDE3A):c.1540+1G>A

Gene: PDE3A (phosphodiesterase 3A; plus strand). Cytogenetic location: 12p12.2.
Variant type: single nucleotide variant.
Coding change: c.1540+1G>A on transcript NM_000921.5 (MANE Select); the canonical splice donor site of the intron after coding-DNA position 1540, G replaced by A.
Molecular consequence: splice donor variant.
Genome position (GRCh38, 1-based): chr12:20,621,412, G>A. VCF-style: chr12-20621412-G-A. GRCh37 (hg19) VCF-style: chr12-20774346-G-A.
Other names: c.577+1G>A (NM_001378408.1); c.1540+1G>A (NM_001378407.1); c.574+1G>A (NM_001244683.2, NM_001378409.1).
Identifiers: ClinVar variation 3659337 (VCV003659337.2).
Genomic context (GRCh38, chr12:20,621,412, plus strand): 5'-CTTCATCCTATGCTATTTCTGCAGCTAACCATGTAAAGGCTAAAAAGCAAAGTCGACCAG[G>A]TAAGTAACTTAACTGGAGAAGGGTTCATACTGTGAGTGTGGAGTTCTAGAGTAAACCAGA-3'